The following is an entry in ClinVar:

NM_024782.3(NHEJ1):c.743G>C (p.Gly248Ala)

Genes: NHEJ1 (non-homologous end joining factor 1; minus strand), LOC126806516 (BRD4-independent group 4 enhancer GRCh37_chr2:219941606-219942805; plus strand). Cytogenetic location: 2q35.
Variant type: single nucleotide variant.
Coding change: c.743G>C on transcript NM_024782.3 (MANE Select); coding-DNA position 743, G replaced by C.
Protein change: p.Gly248Ala; replaces glycine 248 with alanine.
Molecular consequence: missense variant. On other transcripts: non-coding transcript variant (1).
Genome position (GRCh38, 1-based): chr2:219,077,328, C>G on the plus strand (G>C on the coding strand, the complement: NHEJ1 is on the minus strand). VCF-style: chr2-219077328-C-G. GRCh37 (hg19) VCF-style: chr2-219942050-C-G.
Other names: c.743G>C, p.Gly248Ala (NM_001377498.1); c.758G>C, p.Gly253Ala (NM_001377499.1); c.743G>C (NM_024782.2); short protein forms G248A, G253A.
Identifiers: ClinVar variation 1356936 (VCV001356936.8), dbSNP rs199723096, ClinGen allele CA65961549.

ClinVar aggregate classification (germline): Uncertain significance. Review status: criteria provided, multiple submitters, no conflicts (2 of 4 stars). 2 submissions from 2 submitters: Uncertain significance (2). Last evaluated 2024-09-08.

Conditions:
Inborn genetic diseases. Identifiers: MedGen C0950123, MeSH D030342.
Cernunnos-XLF deficiency (IMD124). Also called: Severe combined immunodeficiency with sensitivity to ionizing radiation due to NHEJ1 deficiency; SCID, autosomal recessive, T cell-negative, B cell-negative, NK cell-positive, and sensitivity to ionizing radiation due to NHEJ1 deficiency; IMMUNODEFICIENCY 124, SEVERE COMBINED; NHEJ1 SYNDROME; SCID, AUTOSOMAL RECESSIVE, T CELL-NEGATIVE, B CELL-NEGATIVE, NK CELL-POSITIVE, WITH MICROCEPHALY, GROWTH RETARDATION, AND SENSITIVITY TO IONIZING RADIATION. Identifiers: Orphanet 169079, MedGen C1969799, MONDO:0012650, OMIM 611291.

Allele frequency attached by ClinVar (database versions not stated): gnomAD exomes below 0.00001 and 0.00003; TOPMed 0.00001; gnomAD 0.00002.
gnomAD v4.1: 47 of 1,613,972 alleles (0.0029%); highest among the groups gnomAD compares: Non-Finnish European, 0.0036%; no homozygotes.

Submissions (2):

Ambry Genetics
Classification: Uncertain significance for Inborn genetic diseases. Last evaluated: 2024-09-08. Review status: criteria provided, single submitter. Criteria: Ambry Variant Classification Scheme 2023. Collection method: clinical testing. Allele origin: germline.

Labcorp Genetics (formerly Invitae), Labcorp
Classification: Uncertain significance for Cernunnos-XLF deficiency. Last evaluated: 2021-04-27. Review status: criteria provided, single submitter. Criteria: Invitae Variant Classification Sherloc (09022015). Collection method: clinical testing. Allele origin: germline.
Comment: In summary, the available evidence is currently insufficient to determine the role of this variant in disease. Therefore, it has been classified as a Variant of Uncertain Significance. Algorithms developed to predict the effect of missense changes on protein structure and function output the following: SIFT: "Tolerated"; PolyPhen-2: "Benign"; Align-GVGD: "Class C0". The alanine amino acid residue is found in multiple mammalian species, suggesting that this missense change does not adversely affect protein function. These predictions have not been confirmed by published functional studies and their clinical significance is uncertain. This variant has not been reported in the literature in individuals with NHEJ1-related conditions. This variant is not present in population databases (ExAC no frequency). This sequence change replaces glycine with alanine at codon 248 of the NHEJ1 protein (p.Gly248Ala). The glycine residue is moderately conserved and there is a small physicochemical difference between glycine and alanine.